The following is an entry in ClinVar:

ClinVar aggregate classification (germline): Uncertain significance. Review status: criteria provided, multiple submitters, no conflicts (2 of 4 stars). 2 submissions from 2 submitters: Uncertain significance (2). Last evaluated 2023-10-22.

Allele frequency attached by ClinVar (database versions not stated): ExAC 0.00001; gnomAD 0.00001; gnomAD exomes 0.00001; TOPMed 0.00002.
gnomAD v4.1: 12 of 1,613,804 alleles (0.00074%); highest among the groups gnomAD compares: Middle Eastern, 0.016%; no homozygotes.

Submissions (2):

Labcorp Genetics (formerly Invitae), Labcorp
Classification: Uncertain significance. Last evaluated: 2023-10-22. Review status: criteria provided, single submitter. Criteria: Invitae Variant Classification Sherloc (09022015). Collection method: clinical testing. Allele origin: germline.
Comment: This sequence change replaces lysine, which is basic and polar, with arginine, which is basic and polar, at codon 430 of the SIRT1 protein (p.Lys430Arg). This variant is present in population databases (rs772640272, gnomAD 0.006%). This variant has not been reported in the literature in individuals affected with SIRT1-related conditions. ClinVar contains an entry for this variant (Variation ID: 2338001). An algorithm developed to predict the effect of missense changes on protein structure and function (PolyPhen-2) suggests that this variant is likely to be disruptive. Experimental studies have shown that this missense change affects SIRT1 function (PMID: 26008601). In summary, the available evidence is currently insufficient to determine the role of this variant in disease. Therefore, it has been classified as a Variant of Uncertain Significance.

Ambry Genetics
Classification: Uncertain significance. Last evaluated: 2021-09-17. Review status: criteria provided, single submitter. Criteria: Ambry Variant Classification Scheme 2023. Collection method: clinical testing. Allele origin: germline.

Literature cited by the submitters: PubMed 26008601 (cited by Labcorp Genetics (formerly Invitae), Labcorp).

NM_012238.5(SIRT1):c.1289A>G (p.Lys430Arg)

Gene: SIRT1 (sirtuin 1; plus strand). Cytogenetic location: 10q21.3.
Variant type: single nucleotide variant.
Coding change: c.1289A>G on transcript NM_012238.5 (MANE Select); coding-DNA position 1289, A replaced by G.
Protein change: p.Lys430Arg; replaces lysine 430 with arginine.
Molecular consequence: missense variant.
Genome position (GRCh38, 1-based): chr10:67,909,374, A>G. VCF-style: chr10-67909374-A-G. GRCh37 (hg19) VCF-style: chr10-69669131-A-G.
Other names: c.404A>G, p.Lys135Arg (NM_001142498.2); c.380A>G, p.Lys127Arg (NM_001314049.2); short protein forms K127R, K135R, K430R.
Identifiers: ClinVar variation 2338001 (VCV002338001.5), dbSNP rs772640272, ClinGen allele CA5521248.